The following is an entry in ClinVar:

ClinVar aggregate classification (germline): Uncertain significance (1 of 4 stars; one submission).

Allele frequency attached by ClinVar (database versions not stated): gnomAD exomes below 0.00001; gnomAD 0.00001; TOPMed 0.00002.

Submission:

Labcorp Genetics (formerly Invitae), Labcorp
Classification: Uncertain significance. Last evaluated: 2022-04-22. Review status: criteria provided, single submitter. Criteria: Invitae Variant Classification Sherloc (09022015). Collection method: clinical testing. Allele origin: germline.
Comment: This sequence change replaces methionine, which is neutral and non-polar, with threonine, which is neutral and polar, at codon 1038 of the MTOR protein (p.Met1038Thr). This variant is not present in population databases (gnomAD no frequency). This variant has not been reported in the literature in individuals affected with MTOR-related conditions. ClinVar contains an entry for this variant (Variation ID: 1054573). Advanced modeling of protein sequence and biophysical properties (such as structural, functional, and spatial information, amino acid conservation, physicochemical variation, residue mobility, and thermodynamic stability) performed at Invitae indicates that this missense variant is not expected to disrupt MTOR protein function. In summary, the available evidence is currently insufficient to determine the role of this variant in disease. Therefore, it has been classified as a Variant of Uncertain Significance.

NM_004958.4(MTOR):c.3113T>C (p.Met1038Thr)

Gene: MTOR (mechanistic target of rapamycin kinase; minus strand). Cytogenetic location: 1p36.22.
Variant type: single nucleotide variant.
Coding change: c.3113T>C on transcript NM_004958.4 (MANE Select); coding-DNA position 3113, T replaced by C.
Protein change: p.Met1038Thr; replaces methionine 1038 with threonine.
Molecular consequence: missense variant.
Genome position (GRCh38, 1-based): chr1:11,216,152, A>G on the plus strand (T>C on the coding strand, the complement: MTOR is on the minus strand). VCF-style: chr1-11216152-A-G. GRCh37 (hg19) VCF-style: chr1-11276209-A-G.
Other names: c.3113T>C, p.Met1038Thr (NM_001386500.1); c.1865T>C, p.Met622Thr (NM_001386501.1); short protein forms M1038T, M622T.
Identifiers: ClinVar variation 1054573 (VCV001054573.6), dbSNP rs1420587305, ClinGen allele CA338376446.